The following is an entry in ClinVar:

ClinVar aggregate classification (germline): Uncertain significance. Review status: criteria provided, multiple submitters, no conflicts (2 of 4 stars). 2 submissions from 2 submitters: Uncertain significance (2). Last evaluated 2025-07-03.

Conditions:
Dyskeratosis congenita. Identifiers: Orphanet 1775, MedGen C0265965, MONDO:0015780.

Allele frequency attached by ClinVar (database versions not stated): ExAC 0.00001; ESP Exome Variant Server 0.00008.
gnomAD v4.1: 4 of 1,613,792 alleles (0.00025%); highest among the groups gnomAD compares: Non-Finnish European, 0.00034%; no homozygotes.

Submissions (2):

Dasa
Classification: Uncertain significance. Last evaluated: 2025-07-03. Review status: criteria provided, single submitter. Criteria: DASA Assertion Criteria. Collection method: clinical testing. Allele origin: germline.
Comment: NM_025099.6(CTC1):c.2763C>G (p.Asn921Lys) is a missense variant that results in the substitution of asparagine with lysine. This variant is rare in population databases. Computational prediction algorithms are consistent with a benign effect. The currently available literature and clinical evidence are not sufficient to establish a definitive association between this variant and the reported condition. Therefore, this variant is classified as a variant of uncertain significance.

Labcorp Genetics (formerly Invitae), Labcorp
Classification: Uncertain significance for Dyskeratosis congenita. Last evaluated: 2025-02-07. Review status: criteria provided, single submitter. Criteria: Invitae Variant Classification Sherloc (09022015). Collection method: clinical testing. Allele origin: germline.
Comment: This sequence change replaces asparagine, which is neutral and polar, with lysine, which is basic and polar, at codon 921 of the CTC1 protein (p.Asn921Lys). This variant is present in population databases (rs370836663, gnomAD 0.002%). This variant has not been reported in the literature in individuals affected with CTC1-related conditions. ClinVar contains an entry for this variant (Variation ID: 2052981). Invitae Evidence Modeling of protein sequence and biophysical properties (such as structural, functional, and spatial information, amino acid conservation, physicochemical variation, residue mobility, and thermodynamic stability) indicates that this missense variant is not expected to disrupt CTC1 protein function with a negative predictive value of 80%. In summary, the available evidence is currently insufficient to determine the role of this variant in disease. Therefore, it has been classified as a Variant of Uncertain Significance.

NM_025099.6(CTC1):c.2763C>G (p.Asn921Lys)

Gene: CTC1 (CST telomere replication complex component 1; minus strand). Cytogenetic location: 17p13.1.
Variant type: single nucleotide variant.
Coding change: c.2763C>G on transcript NM_025099.6 (MANE Select); coding-DNA position 2763, C replaced by G.
Protein change: p.Asn921Lys; replaces asparagine 921 with lysine.
Molecular consequence: missense variant. On other transcripts: non-coding transcript variant (1).
Genome position (GRCh38, 1-based): chr17:8,230,464, G>C on the plus strand (C>G on the coding strand, the complement: CTC1 is on the minus strand). VCF-style: chr17-8230464-G-C. GRCh37 (hg19) VCF-style: chr17-8133782-G-C.
Other names: c.2763C>G, p.Asn921Lys (NM_001411067.1); short protein forms N921K.
Identifiers: ClinVar variation 2052981 (VCV002052981.4), dbSNP rs370836663, ClinGen allele CA8371974.